The following is an entry in ClinVar:

NM_004484.4(GPC3):c.826G>T (p.Gly276Cys)

Gene: GPC3 (glypican 3; minus strand). Cytogenetic location: Xq26.2.
Variant type: single nucleotide variant.
Coding change: c.826G>T on transcript NM_004484.4 (MANE Select); coding-DNA position 826, G replaced by T.
Protein change: p.Gly276Cys; replaces glycine 276 with cysteine.
Molecular consequence: missense variant.
Genome position (GRCh38, 1-based): chrX:133,753,688, C>A on the plus strand (G>T on the coding strand, the complement: GPC3 is on the minus strand). VCF-style: chrX-133753688-C-A. GRCh37 (hg19) VCF-style: chrX-132887715-C-A.
Other names: c.826G>T, p.Gly276Cys (NM_001164617.2); c.778G>T, p.Gly260Cys (NM_001164618.2); c.664G>T, p.Gly222Cys (NM_001164619.2); short protein forms G276C, G222C, G260C.
Identifiers: ClinVar variation 543092 (VCV000543092.12), dbSNP rs141100113, ClinGen allele CA10520792.
Genomic context (GRCh38, chrX:133,753,688, plus strand): 5'-AGTACTTGTCAATCTCCACCACACCTGCCATACAGCCTTGCATGACCACATTGCAGTAAC[C>A]GCCACAGGGTTTAACCATCATCAGTCCCTGGCAGTAAGAGCAGTACCACATTCTGGTGAG-3'
Protein context (NP_004475.1, residues 266-286): QGLMMVKPCG[Gly276Cys]YCNVVMQGCM

ClinVar aggregate classification (germline): Conflicting classifications of pathogenicity. Review status: criteria provided, conflicting classifications (1 of 4 stars). 2 submissions from 2 submitters: Uncertain significance (1); Likely benign (1). Last evaluated 2025-05-13.

Conditions:
Wilms tumor 1 (WT1). Also called: Wilms tumor, somatic. Identifiers: Orphanet 654, MedGen CN033288, MONDO:0008679, OMIM 194070.

Allele frequency attached by ClinVar (database versions not stated): TOPMed 0.00001.
gnomAD v4.1: 3 of 1,209,588 alleles (0.00025%); highest among the groups gnomAD compares: Admixed American, 0.0066%; no homozygotes.

Submissions (2):

Labcorp Genetics (formerly Invitae), Labcorp
Classification: Likely benign for Wilms tumor 1. Last evaluated: 2025-05-13. Review status: criteria provided, single submitter. Criteria: Invitae Variant Classification Sherloc (09022015). Collection method: clinical testing. Allele origin: germline.

GeneDx
Classification: Uncertain significance. Last evaluated: 2023-01-11. Review status: criteria provided, single submitter. Criteria: GeneDx Variant Classification Process June 2021. Collection method: clinical testing. Allele origin: germline. Affected: yes.
Comment: In silico analysis supports that this missense variant has a deleterious effect on protein structure/function; Missense variant in a gene in which most reported pathogenic variants are truncating/loss of function; Has not been previously published as pathogenic or benign to our knowledge